The following is an entry in ClinVar:

ClinVar aggregate classification (germline): Pathogenic (1 of 4 stars; one submission).

Conditions:
Fucosidosis. Also called: ALPHA-L-FUCOSIDASE DEFICIENCY. Identifiers: Orphanet 349, MedGen C0016788, MONDO:0009254, OMIM 230000.

Submission:

Labcorp Genetics (formerly Invitae), Labcorp
Classification: Pathogenic for Fucosidosis. Last evaluated: 2023-02-21. Review status: criteria provided, single submitter. Criteria: Invitae Variant Classification Sherloc (09022015). Collection method: clinical testing. Allele origin: germline.
Comment: For these reasons, this variant has been classified as Pathogenic. This variant has not been reported in the literature in individuals affected with FUCA1-related conditions. This variant is not present in population databases (gnomAD no frequency). This sequence change creates a premature translational stop signal (p.Tyr97*) in the FUCA1 gene. It is expected to result in an absent or disrupted protein product. Loss-of-function variants in FUCA1 are known to be pathogenic (PMID: 10094192).

Literature cited by the submitters: PubMed 10094192.

NM_000147.5(FUCA1):c.291C>G (p.Tyr97Ter)

Gene: FUCA1 (alpha-L-fucosidase 1; minus strand). Cytogenetic location: 1p36.11.
Variant type: single nucleotide variant.
Coding change: c.291C>G on transcript NM_000147.5 (MANE Select); coding-DNA position 291, C replaced by G.
Protein change: p.Tyr97Ter; replaces tyrosine 97 with a stop codon.
Molecular consequence: nonsense. On other transcripts: non-coding transcript variant (4).
Genome position (GRCh38, 1-based): chr1:23,867,996, G>C on the plus strand (C>G on the coding strand, the complement: FUCA1 is on the minus strand). VCF-style: chr1-23867996-G-C. GRCh37 (hg19) VCF-style: chr1-24194486-G-C.
Other names: short protein forms Y97*.
Identifiers: ClinVar variation 2839403 (VCV002839403.3), dbSNP rs140858903, ClinGen allele CA339009170.
Genomic context (GRCh38, chr1:23,867,996, plus strand): 5'-CGGGTGGAAGAAGCGCGCAGTGAACTGCGGTCCGAAGTCGGCGTAGCTGAAGCCGGGCGG[G>C]TAGTTGTCGCGCATGAAGCGCTGGTACTGCGGCCGCCCCTCGCCCTGCCAGTGCCACCAG-3'